The following is an entry in ClinVar:

ClinVar aggregate classification (germline): Pathogenic (1 of 4 stars; one submission).

Conditions:
Familial thoracic aortic aneurysm and aortic dissection (TAAD). Also called: Thoracic aortic aneurysms and dissections. Identifiers: Orphanet 91387, MedGen C4707243, MONDO:0019625.

Submission:

Ambry Genetics
Classification: Pathogenic for Familial thoracic aortic aneurysm and aortic dissection. Last evaluated: 2019-12-11. Review status: criteria provided, single submitter. Criteria: Ambry Variant Classification Scheme 2023. Collection method: clinical testing. Allele origin: germline.
Comment: The c.1056dupA pathogenic mutation, located in coding exon 16 of the COL3A1 gene, results from a duplication of A at nucleotide position 1056, causing a translational frameshift with a predicted alternate stop codon (p.V353Sfs*37). This alteration is expected to result in loss of function by premature protein truncation or nonsense-mediated mRNA decay. As such, this alteration is interpreted as a disease-causing mutation.

NM_000090.4(COL3A1):c.1056dup (p.Val353fs)

Gene: COL3A1 (collagen type III alpha 1 chain; plus strand). Cytogenetic location: 2q32.2.
Variant type: Duplication.
Coding change: c.1056dup on transcript NM_000090.4 (MANE Select); coding-DNA position 1056, one base duplicated (A; older notation c.1056dupA).
Protein change: p.Val353fs; shifts the reading frame from valine 353.
Molecular consequence: frameshift variant.
Genome position (GRCh38, 1-based): chr2:188,993,366, A duplicated; the last of 2 consecutive A bases (chr2:188,993,365-188,993,366); duplicating either gives the same sequence. VCF-style (leftmost placement, unchanged base first): chr2-188993364-G-GA. GRCh37 (hg19) VCF-style: chr2-189858090-G-GA.
Other names: c.1056dupA (NM_000090.3); short protein forms V353fs.
Identifiers: ClinVar variation 1778603 (VCV001778603.2), dbSNP rs2469125950, ClinGen allele CA2580065329.